The following is an entry in ClinVar:

ClinVar aggregate classification (germline): Uncertain significance. Review status: criteria provided, multiple submitters, no conflicts (2 of 4 stars). 3 submissions from 3 submitters: Uncertain significance (2). 1 of the submissions does not count toward it. Last evaluated 2024-05-19.

Conditions:
MYO18B-related disorder. Also called: MYO18B-related condition.

Allele frequency attached by ClinVar (database versions not stated): gnomAD exomes 0.00003 and 0.00009; ExAC 0.00013; 1000 Genomes Project 0.00020; 1000 Genomes Project 30x 0.00031; gnomAD 0.00042 and 0.00046; TOPMed 0.00045; ESP Exome Variant Server 0.00049.

Submissions (3):

Labcorp Genetics (formerly Invitae), Labcorp
Classification: Uncertain significance. Last evaluated: 2024-05-19. Review status: criteria provided, single submitter. Criteria: Invitae Variant Classification Sherloc (09022015). Collection method: clinical testing. Allele origin: germline.
Comment: This sequence change replaces glycine, which is neutral and non-polar, with valine, which is neutral and non-polar, at codon 2551 of the MYO18B protein (p.Gly2551Val). This variant is present in population databases (rs200820790, gnomAD 0.1%). This variant has not been reported in the literature in individuals affected with MYO18B-related conditions. ClinVar contains an entry for this variant (Variation ID: 1441218). An algorithm developed to predict the effect of missense changes on protein structure and function (PolyPhen-2) suggests that this variant¬†is likely to be tolerated. In summary, the available evidence is currently insufficient to determine the role of this variant in disease. Therefore, it has been classified as a Variant of Uncertain Significance.

CeGaT Center for Human Genetics Tuebingen
Classification: Uncertain significance. Last evaluated: 2024-05-01. Review status: criteria provided, single submitter. Criteria: CeGaT Center For Human Genetics Tuebingen Variant Classification Criteria Version 2. Collection method: clinical testing. Allele origin: germline. Affected: yes. Observed: 1 variant allele.
Comment: MYO18B: PM2:Supporting, BP4

PreventionGenetics, part of Exact Sciences
Classification: Uncertain significance for MYO18B-related condition. Last evaluated: 2024-09-04. Review status: no assertion criteria provided. Collection method: clinical testing. Allele origin: germline. Not counted in ClinVar's aggregate classification.
Comment: The MYO18B c.7652G>T variant is predicted to result in the amino acid substitution p.Gly2551Val. To our knowledge, this variant has not been reported in the literature. This variant is reported in 0.14% of alleles in individuals of African descent in gnomAD, which is likely too common for an undocumented disease-causing variant. Although we suspect that this variant may be benign, at this time, the clinical significance of this variant is uncertain due to the absence of conclusive functional and genetic evidence.

NM_032608.7(MYO18B):c.7652G>T (p.Gly2551Val)

Gene: MYO18B (myosin XVIIIB; plus strand). Cytogenetic location: 22q12.1.
Variant type: single nucleotide variant.
Coding change: c.7652G>T on transcript NM_032608.7 (MANE Select); coding-DNA position 7652, G replaced by T.
Protein change: p.Gly2551Val; replaces glycine 2551 with valine.
Molecular consequence: missense variant.
Genome position (GRCh38, 1-based): chr22:26,027,626, G>T. VCF-style: chr22-26027626-G-T. GRCh37 (hg19) VCF-style: chr22-26423592-G-T.
Other names: c.7652G>T (NM_032608.6); c.7655G>T, p.Gly2552Val (NM_001318245.2); short protein forms G2551V, G2552V.
Identifiers: ClinVar variation 1441218 (VCV001441218.23), dbSNP rs200820790, ClinGen allele CA10161841.